The following is an entry in ClinVar:

NM_000214.3(JAG1):c.3252_3255del (p.Cys1084fs)

Gene: JAG1 (jagged canonical Notch ligand 1; minus strand). Cytogenetic location: 20p12.2.
Variant type: Deletion.
Coding change: c.3252_3255del on transcript NM_000214.3 (MANE Select); coding-DNA positions 3252 to 3255, 4 bases deleted (CTTG; older notation c.3252_3255delCTTG).
Protein change: p.Cys1084fs; shifts the reading frame from cysteine 1084.
Molecular consequence: frameshift variant.
Genome position (GRCh38, 1-based): chr20:10,639,900-10,639,903, CAAG deleted on the plus strand (CTTG on the coding strand, the reverse complement: JAG1 is on the minus strand); deleting any 4 consecutive bases within chr20:10,639,900-10,639,906 gives the same sequence; the c. name uses the placement nearest the transcript's 3' end. VCF-style (leftmost placement, unchanged base first): chr20-10639899-CCAAG-C. GRCh37 (hg19) VCF-style: chr20-10620547-CCAAG-C.
Other names: short protein forms C1084fs.
Identifiers: ClinVar variation 4852223 (VCV004852223.1).

ClinVar aggregate classification (germline): Likely pathogenic (1 of 4 stars; one submission).

Conditions:
Alagille syndrome due to a JAG1 point mutation. Also called: HEPATIC DUCTULAR HYPOPLASIA, SYNDROMATIC; Alagille Syndrome 1; JAG1-Related Alagille Syndrome. Identifiers: Orphanet 261619, Orphanet 52, MedGen C1956125, MONDO:0016862, OMIM 118450.

Submission:

Variantyx, Inc.
Classification: Likely pathogenic for Alagille syndrome due to a JAG1 point mutation. Last evaluated: 2025-03-04. Review status: criteria provided, single submitter. Criteria: Variantyx Assertion Criteria 2022. Collection method: clinical testing. Allele origin: germline. Inheritance: Autosomal dominant inheritance. Affected: yes.
Comment: This is a frameshift variant in the JAG1 gene (OMIM: 601920). Pathogenic variants in this gene have been associated with autosomal dominant Alagille syndrome 1. This variant introduces a premature termination codon in exon 26 out of 26. While it is not expected to result in haploinsufficiency, it is expected to result in loss of function by ablating the C-terminal portion of the transmembrane helix and the entire cytoplasmic domain. Loss of function is a known disease mechanism for JAG1 in this disorder (PMID: 11180599) (PVS1). This variant is absent from control populations (PM2). Inheritance from an unaffected or mildly affected parent has been reported, consistent with incomplete penetrance and variable expressivity (PMID: 21934706, 8071971). This variant has not been reported in individuals with JAG1-related disorders in the databases available for review. Based on the current evidence, this variant is classified as likely pathogenic for autosomal dominant Alagille syndrome 1.

Literature cited by the submitters: PubMed 11180599; PubMed 21934706; PubMed 8071971.